The following is an entry in ClinVar:

NM_006432.5(NPC2):c.88G>A (p.Val30Met)

Genes: NPC2 (NPC intracellular cholesterol transporter 2; minus strand), ACYP1 (acylphosphatase 1; minus strand). Cytogenetic location: 14q24.3.
Variant type: single nucleotide variant.
Coding change: c.88G>A on transcript NM_006432.5 (MANE Select); coding-DNA position 88, G replaced by A.
Protein change: p.Val30Met; replaces valine 30 with methionine.
Molecular consequence: missense variant.
Genome position (GRCh38, 1-based): chr14:74,486,431, C>T on the plus strand (G>A on the coding strand, the complement: NPC2 is on the minus strand). VCF-style: chr14-74486431-C-T. GRCh37 (hg19) VCF-style: chr14-74953134-C-T.
Other names: c.88G>A, p.Val30Met (NM_001363688.1, NM_001375440.1); short protein forms V30M.
Identifiers: ClinVar variation 183281 (VCV000183281.55), dbSNP rs151220873, ClinGen allele CA249909.

ClinVar aggregate classification (germline): Benign/Likely benign. Review status: criteria provided, multiple submitters, no conflicts (2 of 4 stars). 17 submissions from 17 submitters: Benign (6); Likely benign (5). 6 of the submissions do not count toward it. Last evaluated 2026-04-01.

Conditions:
Niemann-Pick disease, type C2 (NPC2). Identifiers: Orphanet 646, MedGen C1843366, MONDO:0011873, OMIM 607625.
Brain atrophy. Identifiers: MedGen C4551584, HP:0012444.
Seizure. Also called: Seizures. Identifiers: MedGen C0036572, HP:0001250.
Microcephaly. Also called: Microcephaly (disease). Identifiers: MedGen C4551563, MONDO:0001149, HP:0000252.
Global developmental delay (DD). Also called: Cognitive delay. Identifiers: MedGen C0557874, HP:0001263. Disease mechanism: loss of function.

Allele frequency attached by ClinVar (database versions not stated): gnomAD 0.00134 and 0.00122; TOPMed 0.00134; ESP Exome Variant Server 0.00192; gnomAD exomes 0.00213 and 0.00133; ExAC 0.00311; 1000 Genomes Project 30x 0.00094; 1000 Genomes Project 0.00100.
gnomAD v4.1: 2,202 of 1,588,322 alleles (0.14%); highest among the groups gnomAD compares: Middle Eastern, 1.2%; 15 homozygotes.

Submissions (19):

CeGaT Center for Human Genetics Tuebingen
Classification: Benign. Last evaluated: 2026-04-01. Review status: criteria provided, single submitter. Criteria: CeGaT Center For Human Genetics Tuebingen Variant Classification Criteria Version 2. Collection method: clinical testing. Allele origin: germline. Affected: yes. Observed: 9 variant alleles.
Comment: NPC2: BP4, BS1, BS2

Labcorp Genetics (formerly Invitae), Labcorp
Classification: Benign for Niemann-Pick disease, type C2. Last evaluated: 2026-01-28. Review status: criteria provided, single submitter. Criteria: Invitae Variant Classification Sherloc (09022015). Collection method: clinical testing. Allele origin: germline.

Blueprint Genetics
Classification: Likely benign. Last evaluated: 2024-11-25. Review status: criteria provided, single submitter. Criteria: ACMG Guidelines, 2015. Collection method: clinical testing. Allele origin: germline.

Department of Pathology and Laboratory Medicine, Sinai Health System
Classification: Benign for Niemann-Pick disease, type C2. Last evaluated: 2022-11-21. Review status: criteria provided, single submitter. Criteria: ACMG Guidelines, 2015. Collection method: research. Allele origin: germline.

Women's Health and Genetics/Laboratory Corporation of America, LabCorp
Classification: Benign. Last evaluated: 2022-07-06. Review status: criteria provided, single submitter. Criteria: LabCorp Variant Classification Summary - May 2015. Collection method: clinical testing. Allele origin: germline.
Comment: Variant summary: NPC2 c.88G>A (p.Val30Met) results in a conservative amino acid change located in the MD-2-related lipid-recognition domain (IPR003172) of the encoded protein sequence. Four of five in-silico tools predict a benign effect of the variant on protein function. The variant allele was found at a frequency of 0.0021 in 207464 control chromosomes, predominantly at a frequency of 0.0046 within the South Asian subpopulation in the gnomAD database, including 3 homozygotes. The observed variant frequency within South Asian control individuals in the gnomAD database is approximately 7-fold of the estimated maximal expected allele frequency for a pathogenic variant in NPC2 causing Niemann-Pick Disease Type C phenotype (0.00068), strongly suggesting that the variant is a benign polymorphism found primarily in populations of South Asian origin. To our knowledge, no penetrant association of c.88G>A with Niemann-Pick Disease Type C has been reported in the literature. A functional study examining the expression and localization of NPC2 missense variants in human fibroblasts found no biological abnormalities in cells expressing this variant, suggesting it does not strongly impact protein function (Chikh_2005). Seven assessments for this variant have been submitted to ClinVar after 2014 without evidence for independent evaluation and all classified the variant as benign (n=4) or likely benign (n=3). Based on the evidence outlined above, the variant was classified as benign.

Fulgent Genetics
Classification: Likely benign for Niemann-Pick disease, type C2. Last evaluated: 2021-10-17. Review status: criteria provided, single submitter. Criteria: ACMG Guidelines, 2015. Collection method: clinical testing. Allele origin: unknown.

Genome-Nilou Lab
Classification: Benign for Niemann-Pick disease, type C2. Last evaluated: 2021-05-18. Review status: criteria provided, single submitter. Criteria: ACMG Guidelines, 2015. Collection method: clinical testing. Allele origin: germline. Affected: no.

GeneDx
Classification: Likely benign. Last evaluated: 2020-10-06. Review status: criteria provided, single submitter. Criteria: GeneDx Variant Classification Process June 2021. Collection method: clinical testing. Allele origin: germline. Affected: yes.
Comment: This variant is associated with the following publications: (PMID: 32858489, 15465422, 30556376, 15937921, 12955717, 25764212, 24386122, 21228398, 27792009, 25558065, 27884173, 25099932)

Mendelics
Classification: Likely benign. Last evaluated: 2019-05-28. Review status: criteria provided, single submitter. Criteria: Mendelics Assertion Criteria 2017. Collection method: clinical testing. Allele origin: unknown.

Eurofins Ntd Llc (ga)
Classification: Benign. Last evaluated: 2015-08-25. Review status: criteria provided, single submitter. Criteria: EGL Classification Definitions 2015. Collection method: clinical testing. Allele origin: germline. Observed: 2 variant alleles, 2 heterozygotes.

Breakthrough Genomics
Classification: Likely benign. Review status: criteria provided, single submitter. Criteria: ACMG Guidelines, 2015. Collection method: not provided. Allele origin: germline. Inheritance: Autosomal recessive inheritance. Affected: yes.

Natera, Inc.
Classification: Benign for Niemann-Pick disease type C2. Last evaluated: 2020-04-18. Review status: no assertion criteria provided. Collection method: clinical testing. Allele origin: germline. Not counted in ClinVar's aggregate classification.

Mayo Clinic Laboratories, Mayo Clinic
Classification: Likely benign. Last evaluated: 2017-12-19. Review status: no assertion criteria provided. Collection method: clinical testing. Allele origin: unknown. Not counted in ClinVar's aggregate classification.

Genomic Medicine Center of Excellence, King Faisal Specialist Hospital and Research Centre
Classification: Likely pathogenic for Global developmental delay; Microcephaly; Epilepsy; Brain atrophy. Last evaluated: 2014-12-01. Review status: no assertion criteria provided. Criteria: research. Collection method: research. Allele origin: germline. Affected: yes. Not counted in ClinVar's aggregate classification.

Clinical Genetics DNA and cytogenetics Diagnostics Lab, Erasmus MC, Erasmus Medical Center
Classification: Likely benign. Review status: no assertion criteria provided. Collection method: clinical testing. Allele origin: germline. Affected: yes. Study: VKGL Data-share Consensus. Not counted in ClinVar's aggregate classification.

Diagnostic Laboratory, Department of Genetics, University Medical Center Groningen
Classification: Likely benign. Review status: no assertion criteria provided. Collection method: clinical testing. Allele origin: germline. Affected: yes. Study: VKGL Data-share Consensus. Not counted in ClinVar's aggregate classification.

Dr. Peter K. Rogan Lab, Western University
No classification provided (evidence only). Condition: Malignant tumor of urinary bladder. Review status: no classification provided. Collection method: in vitro. Allele origin: not applicable. Functional consequence: retained intron. Not counted in ClinVar's aggregate classification.

Dr. Peter K. Rogan Lab, Western University
No classification provided (evidence only). Condition: Malignant tumor of urinary bladder. Review status: no classification provided. Collection method: in vitro. Allele origin: not applicable. Functional consequence: retained intron. Not counted in ClinVar's aggregate classification.

Genome Diagnostics Laboratory, Amsterdam University Medical Center
Classification: Likely benign. Review status: no assertion criteria provided. Collection method: clinical testing. Allele origin: germline. Affected: yes. Study: VKGL Data-share Consensus. Not counted in ClinVar's aggregate classification.

Literature cited by the submitters: PubMed 25764212 (cited by Women's Health and Genetics/Laboratory Corporation of America, LabCorp); PubMed 12955717 (cited by Women's Health and Genetics/Laboratory Corporation of America, LabCorp); PubMed 15937921 (cited by Women's Health and Genetics/Laboratory Corporation of America, LabCorp); PubMed 25558065 (cited by Women's Health and Genetics/Laboratory Corporation of America, LabCorp and Genomic Medicine Center of Excellence, King Faisal Specialist Hospital and Research Centre).